The following is an entry in ClinVar:

NM_000091.5(COL4A3):c.3400G>A (p.Gly1134Arg)

Genes: COL4A3 (collagen type IV alpha 3 chain; plus strand), MFF-DT (MFF divergent transcript; minus strand). Cytogenetic location: 2q36.3.
Variant type: single nucleotide variant.
Coding change: c.3400G>A on transcript NM_000091.5 (MANE Select); coding-DNA position 3400, G replaced by A.
Protein change: p.Gly1134Arg; replaces glycine 1134 with arginine.
Molecular consequence: missense variant.
Genome position (GRCh38, 1-based): chr2:227,294,552, G>A. VCF-style: chr2-227294552-G-A. GRCh37 (hg19) VCF-style: chr2-228159268-G-A.
Other names: short protein forms G1134R.
Identifiers: ClinVar variation 4852348 (VCV004852348.1).
Genomic context (GRCh38, chr2:227,294,552, plus strand): 5'-AAGCCAGGTCCTCATGGTGATTTGGGTTTTAAAGGAATCAAAGGCCTCCTGGGCCCTCCA[G>A]GAATCAGAGGCCCTCCAGGTTTCATTTTTGTACTTTCTCTTTTTCCTTTTCATGTGGGAG-3'
Protein context (NP_000082.2, residues 1124-1144): KGIKGLLGPP[Gly1134Arg]IRGPPGLPGF

ClinVar aggregate classification (germline): Likely pathogenic (1 of 4 stars; one submission).

Conditions:
Autosomal dominant Alport syndrome (ATS3A). Also called: Alport syndrome dominant type; Renal failure and sensorineural hearing loss; ALPORT SYNDROME 3A, AUTOSOMAL DOMINANT. Identifiers: Orphanet 63, Orphanet 88918, MedGen C5882663, MONDO:0007086, OMIM 104200.

gnomAD v4.1: 1 of 1,612,438 alleles (0.000062%); highest among the groups gnomAD compares: Non-Finnish European, 0.000085%; no homozygotes.

Submission:

MVZ Medizinische Genetik Mainz
Classification: Likely pathogenic for Autosomal dominant Alport syndrome. Last evaluated: 2026-05-05. Review status: criteria provided, single submitter. Criteria: UK Practice Guidelines For Variant Classification V4 01 2020. Collection method: clinical testing. Allele origin: germline. Inheritance: Autosomal dominant inheritance. Affected: yes. Observed: 1 variant allele.
Comment: ACMG Criteria: PM1_STR,PM2_SUP,PP3,PP4